The following is an entry in ClinVar:

ClinVar aggregate classification (germline): Uncertain significance. Review status: criteria provided, multiple submitters, no conflicts (2 of 4 stars). 2 submissions from 2 submitters: Uncertain significance (2). Last evaluated 2024-06-16.

Conditions:
Inborn genetic diseases. Identifiers: MedGen C0950123, MeSH D030342.
Congenital myasthenic syndrome 2A. Also called: Myasthenic syndrome, congenital, 2a, slow-channel. Identifiers: Orphanet 590, MedGen C4225374, MONDO:0014581, OMIM 616313.

Allele frequency attached by ClinVar (database versions not stated): gnomAD 0.00001; TOPMed 0.00001.
gnomAD v4.1: 17 of 1,609,076 alleles (0.0011%); highest among the groups gnomAD compares: African/African-American, 0.0093%; no homozygotes.

Submissions (2):

Labcorp Genetics (formerly Invitae), Labcorp
Classification: Uncertain significance for Congenital myasthenic syndrome 2A. Last evaluated: 2024-06-16. Review status: criteria provided, single submitter. Criteria: Invitae Variant Classification Sherloc (09022015). Collection method: clinical testing. Allele origin: germline.
Comment: This sequence change replaces alanine, which is neutral and non-polar, with threonine, which is neutral and polar, at codon 5 of the CHRNB1 protein (p.Ala5Thr). The frequency data for this variant in the population databases is considered unreliable, as metrics indicate poor data quality at this position in the gnomAD database. This variant has not been reported in the literature in individuals affected with CHRNB1-related conditions. ClinVar contains an entry for this variant (Variation ID: 2038566). Experimental studies and prediction algorithms are not available or were not evaluated, and the functional significance of this variant is currently unknown. In summary, the available evidence is currently insufficient to determine the role of this variant in disease. Therefore, it has been classified as a Variant of Uncertain Significance.

Ambry Genetics
Classification: Uncertain significance for Inborn genetic diseases. Last evaluated: 2023-08-21. Review status: criteria provided, single submitter. Criteria: Ambry Variant Classification Scheme 2023. Collection method: clinical testing. Allele origin: germline.

NM_000747.3(CHRNB1):c.13G>A (p.Ala5Thr)

Genes: CHRNB1 (cholinergic receptor nicotinic beta 1 subunit; plus strand), LOC130060147 (ATAC-STARR-seq lymphoblastoid silent region 8121; plus strand). Cytogenetic location: 17p13.1.
Variant type: single nucleotide variant.
Coding change: c.13G>A on transcript NM_000747.3 (MANE Select); coding-DNA position 13, G replaced by A.
Protein change: p.Ala5Thr; replaces alanine 5 with threonine.
Molecular consequence: missense variant.
Genome position (GRCh38, 1-based): chr17:7,445,140, G>A. VCF-style: chr17-7445140-G-A. GRCh37 (hg19) VCF-style: chr17-7348459-G-A.
Other names: c.13G>A (NM_000747.2); short protein forms A5T.
Identifiers: ClinVar variation 2038566 (VCV002038566.6), dbSNP rs781729431, ClinGen allele CA8347595.